The following is an entry in ClinVar:

NM_006389.5(HYOU1):c.370G>A (p.Glu124Lys)

Gene: HYOU1 (hypoxia up-regulated 1; minus strand). Cytogenetic location: 11q23.3.
Variant type: single nucleotide variant.
Coding change: c.370G>A on transcript NM_006389.5 (MANE Select); coding-DNA position 370, G replaced by A.
Protein change: p.Glu124Lys; replaces glutamic acid 124 with lysine.
Molecular consequence: missense variant.
Genome position (GRCh38, 1-based): chr11:119,055,234, C>T on the plus strand (G>A on the coding strand, the complement: HYOU1 is on the minus strand). VCF-style: chr11-119055234-C-T. GRCh37 (hg19) VCF-style: chr11-118925946-C-T.
Other names: c.370G>A, p.Glu124Lys (NM_001130991.3, NM_001411041.1); c.370G>A (NM_006389.3); short protein forms E124K.
Identifiers: ClinVar variation 2778185 (VCV002778185.2), dbSNP rs1944682120, ClinGen allele CA382952462.

ClinVar aggregate classification (germline): Uncertain significance. Review status: criteria provided, multiple submitters, no conflicts (2 of 4 stars). 2 submissions from 2 submitters: Uncertain significance (2). Last evaluated 2024-12-14.

Allele frequency attached by ClinVar (database versions not stated): TOPMed below 0.00001; gnomAD 0.00001; gnomAD exomes 0.00001.
gnomAD v4.1: 5 of 1,614,046 alleles (0.00031%); highest among the groups gnomAD compares: South Asian, 0.0022%; no homozygotes.

Submissions (2):

Ambry Genetics
Classification: Uncertain significance. Last evaluated: 2024-12-14. Review status: criteria provided, single submitter. Criteria: Ambry Variant Classification Scheme 2023. Collection method: clinical testing. Allele origin: germline.

Labcorp Genetics (formerly Invitae), Labcorp
Classification: Uncertain significance. Last evaluated: 2023-11-24. Review status: criteria provided, single submitter. Criteria: Invitae Variant Classification Sherloc (09022015). Collection method: clinical testing. Allele origin: germline.
Comment: This sequence change replaces glutamic acid, which is acidic and polar, with lysine, which is basic and polar, at codon 124 of the HYOU1 protein (p.Glu124Lys). This variant is not present in population databases (gnomAD no frequency). This variant has not been reported in the literature in individuals affected with HYOU1-related conditions. An algorithm developed to predict the effect of missense changes on protein structure and function (PolyPhen-2) suggests that this variant¬†is likely to be tolerated. In summary, the available evidence is currently insufficient to determine the role of this variant in disease. Therefore, it has been classified as a Variant of Uncertain Significance.